The following is an entry in ClinVar:

ClinVar aggregate classification (germline): Uncertain significance (1 of 4 stars; one submission).

Conditions:
Hereditary sensory and autonomic neuropathy type 6. Also called: Neuropathy, hereditary sensory and autonomic, type VI; HSAN VI. Identifiers: Orphanet 314381, MedGen C3539003, MONDO:0013839, OMIM 614653.
Epidermolysis bullosa simplex 3, localized or generalized intermediate, with BP230 deficiency (EBS3). Also called: Epidermolysis bullosa simplex due to BP230 deficiency; Epidermolysis bullosa simplex, autosomal recessive 2. Identifiers: Orphanet 412181, MedGen C3809470, MONDO:0014180, OMIM 615425.

Submission:

Labcorp Genetics (formerly Invitae), Labcorp
Classification: Uncertain significance for Epidermolysis bullosa simplex 3, localized or generalized intermediate, with BP230 deficiency; Hereditary sensory and autonomic neuropathy type 6. Last evaluated: 2022-07-24. Review status: criteria provided, single submitter. Criteria: Invitae Variant Classification Sherloc (09022015). Collection method: clinical testing. Allele origin: germline.
Comment: The DST gene has multiple clinically relevant transcripts. This variant occurs in alternate transcript NM_015548.4, and corresponds to NM_001723.5:c.*88930A>G in the primary transcript. This sequence change falls in intron 49 of the DST gene. It does not directly change the encoded amino acid sequence of the DST protein. This variant is not present in population databases (gnomAD no frequency). This variant has not been reported in the literature in individuals affected with DST-related conditions. Experimental studies and prediction algorithms are not available or were not evaluated, and the effect of this variant on mRNA splicing is currently unknown. In summary, the available evidence is currently insufficient to determine the role of this variant in disease. Therefore, it has been classified as a Variant of Uncertain Significance.

NM_001374736.1(DST):c.17923-20A>G

Gene: DST (dystonin; minus strand). Cytogenetic location: 6p12.1.
Variant type: single nucleotide variant.
Coding change: c.17923-20A>G on transcript NM_001374736.1 (MANE Select); 20 bases into the intron before coding-DNA position 17923, A replaced by G.
Molecular consequence: intron variant.
Genome position (GRCh38, 1-based): chr6:56,526,587, T>C on the plus strand (A>G on the coding strand, the complement: DST is on the minus strand). VCF-style: chr6-56526587-T-C. GRCh37 (hg19) VCF-style: chr6-56391385-T-C.
Other names: c.11566-20A>G (NM_001144769.5); c.17923-20A>G (NM_001374722.1); c.17950-20A>G (NM_001374734.1); c.11152-20A>G (NM_001144770.2); c.10705-20A>G (NM_001374730.1); c.11032-20A>G (NM_001386100.1, NM_183380.4); c.16963-20A>G (NM_001374729.1); c.10054-20A>G (NM_015548.5).
Identifiers: ClinVar variation 2166786 (VCV002166786.4), dbSNP rs2534763310, ClinGen allele CA2578654511.